The following is an entry in ClinVar:

ClinVar aggregate classification (germline): Likely pathogenic (1 of 4 stars; one submission).

Conditions:
Cholestasis, progressive familial intrahepatic, 4. Identifiers: Orphanet 480483, Orphanet 79304, MedGen C2931067, MONDO:0014381, OMIM 615878.

Submission:

Neuberg Centre For Genomic Medicine, NCGM
Classification: Likely pathogenic for Cholestasis, progressive familial intrahepatic, 4. Review status: criteria provided, single submitter. Criteria: ACMG Guidelines, 2015. Collection method: clinical testing. Allele origin: germline. Inheritance: Autosomal recessive inheritance. Affected: yes.
Comment: The observed invariant splice donor c.1780+2T>G in TJP2 gene has not been reported previously as a pathogenic variant nor as a benign variant, to our knowledge. The c.1780+2T>G variant is absent in gnomAD Exomes database. This variant has not been submitted to the ClinVar database. This variant is predicted to cause loss of normal protein function through protein truncation. Loss of function variants have been previously reported to be disease causing. For these reasons, this variant has been classified as Likely Pathogenic.

NM_004817.4(TJP2):c.1780+2T>G

Gene: TJP2 (tight junction protein 2; plus strand). Cytogenetic location: 9q21.11.
Variant type: single nucleotide variant.
Coding change: c.1780+2T>G on transcript NM_004817.4 (MANE Select); the canonical splice donor site of the intron after coding-DNA position 1780, T replaced by G.
Molecular consequence: splice donor variant.
Genome position (GRCh38, 1-based): chr9:69,234,549, T>G. VCF-style: chr9-69234549-T-G. GRCh37 (hg19) VCF-style: chr9-71849465-T-G.
Other names: c.1711+2T>G (NM_001170414.2, NM_001369871.1); c.1705+2T>G (NM_001369870.1); c.1780+2T>G (NM_201629.3, NM_001369872.1, NM_001369873.1); c.1792+2T>G (NM_001170415.1, NM_001369875.1, NM_001369874.1); c.1873+2T>G (NM_001170416.2).
Identifiers: ClinVar variation 3250470 (VCV003250470.1), dbSNP rs2538557576.